The following is an entry in ClinVar:

NM_002432.3(MNDA):c.321A>C (p.Glu107Asp)

Gene: MNDA (myeloid cell nuclear differentiation antigen; plus strand). Cytogenetic location: 1q23.1.
Variant type: single nucleotide variant.
Coding change: c.321A>C on transcript NM_002432.3 (MANE Select); coding-DNA position 321, A replaced by C.
Protein change: p.Glu107Asp; replaces glutamic acid 107 with aspartic acid.
Molecular consequence: missense variant.
Genome position (GRCh38, 1-based): chr1:158,843,334, A>C. VCF-style: chr1-158843334-A-C. GRCh37 (hg19) VCF-style: chr1-158813124-A-C.
Other names: short protein forms E107D.
Identifiers: ClinVar variation 1729032 (VCV001729032.2), dbSNP rs2526079169, ClinGen allele CA343038635.

ClinVar aggregate classification (germline): Uncertain significance (1 of 4 stars; one submission).

Submission:

Ambry Genetics
Classification: Uncertain significance. Last evaluated: 2023-11-09. Review status: criteria provided, single submitter. Criteria: Ambry Variant Classification Scheme 2023. Collection method: clinical testing. Allele origin: germline.
Comment: The p.E107D variant (also known as c.321A>C), located in coding exon 2 of the MNDA gene, results from an A to C substitution at nucleotide position 321. The glutamic acid at codon 107 is replaced by aspartic acid, an amino acid with highly similar properties. This amino acid position is conserved. In addition, this alteration is predicted to be tolerated by in silico analysis. Since supporting evidence is limited at this time, the clinical significance of this alteration remains unclear.